The following is an entry in ClinVar:

ClinVar aggregate classification (germline): Uncertain significance. Review status: criteria provided, multiple submitters, no conflicts (2 of 4 stars). 2 submissions from 2 submitters: Uncertain significance (2). Last evaluated 2025-08-04.

Conditions:
Inborn genetic diseases. Identifiers: MedGen C0950123, MeSH D030342.
Deficiency of malonyl-CoA decarboxylase. Also called: Malonic aciduria; MCD deficiency. Identifiers: Orphanet 943, MedGen C0342793, MONDO:0009556, OMIM 248360.

Allele frequency attached by ClinVar (database versions not stated): gnomAD 0.00001; TOPMed 0.00001.

Submissions (2):

Ambry Genetics
Classification: Uncertain significance for Inborn genetic diseases. Last evaluated: 2025-08-04. Review status: criteria provided, single submitter. Criteria: Ambry Variant Classification Scheme 2023. Collection method: clinical testing. Allele origin: germline.

Labcorp Genetics (formerly Invitae), Labcorp
Classification: Uncertain significance for Deficiency of malonyl-CoA decarboxylase. Last evaluated: 2021-08-28. Review status: criteria provided, single submitter. Criteria: Invitae Variant Classification Sherloc (09022015). Collection method: clinical testing. Allele origin: germline.
Comment: This sequence change replaces methionine with leucine at codon 185 of the MLYCD protein (p.Met185Leu). The methionine residue is highly conserved and there is a small physicochemical difference between methionine and leucine. This variant is not present in population databases (ExAC no frequency). This variant has not been reported in the literature in individuals affected with MLYCD-related conditions. Algorithms developed to predict the effect of missense changes on protein structure and function (SIFT, PolyPhen-2, Align-GVGD) all suggest that this variant is likely to be tolerated. In summary, the available evidence is currently insufficient to determine the role of this variant in disease. Therefore, it has been classified as a Variant of Uncertain Significance.

NM_012213.3(MLYCD):c.553A>T (p.Met185Leu)

Gene: MLYCD (malonyl-CoA decarboxylase; plus strand). Cytogenetic location: 16q23.3.
Variant type: single nucleotide variant.
Coding change: c.553A>T on transcript NM_012213.3 (MANE Select); coding-DNA position 553, A replaced by T.
Protein change: p.Met185Leu; replaces methionine 185 with leucine.
Molecular consequence: missense variant.
Genome position (GRCh38, 1-based): chr16:83,907,011, A>T. VCF-style: chr16-83907011-A-T. GRCh37 (hg19) VCF-style: chr16-83940616-A-T.
Other names: short protein forms M185L.
Identifiers: ClinVar variation 529875 (VCV000529875.7), dbSNP rs1212880594, ClinGen allele CA396918564.